The following is an entry in ClinVar:

NM_020320.5(RARS2):c.965A>G (p.Tyr322Cys)

Gene: RARS2 (arginyl-tRNA synthetase 2, mitochondrial; minus strand). Cytogenetic location: 6q15.
Variant type: single nucleotide variant.
Coding change: c.965A>G on transcript NM_020320.5 (MANE Select); coding-DNA position 965, A replaced by G.
Protein change: p.Tyr322Cys; replaces tyrosine 322 with cysteine.
Molecular consequence: missense variant. On other transcripts: non-coding transcript variant (23).
Genome position (GRCh38, 1-based): chr6:87,524,566, T>C on the plus strand (A>G on the coding strand, the complement: RARS2 is on the minus strand). VCF-style: chr6-87524566-T-C. GRCh37 (hg19) VCF-style: chr6-88234284-T-C.
Other names: c.440A>G, p.Tyr147Cys (NM_001318785.2, NM_001350506.2, NM_001350507.2 and 4 more transcripts); c.965A>G, p.Tyr322Cys (NM_001350505.2); short protein forms Y147C, Y322C.
Identifiers: ClinVar variation 2199200 (VCV002199200.4), dbSNP rs1279762700, ClinGen allele CA3916454.

ClinVar aggregate classification (germline): Conflicting classifications of pathogenicity. Review status: criteria provided, conflicting classifications (1 of 4 stars). 4 submissions from 4 submitters: Likely pathogenic (1); Uncertain significance (3). Last evaluated 2024-06-03.

Conditions:
Pontocerebellar hypoplasia type 6 (PCH6). Identifiers: Orphanet 166073, MedGen C1969084, MONDO:0012683, OMIM 611523.

Allele frequency attached by ClinVar (database versions not stated): ExAC 0.00003; TOPMed 0.00003; gnomAD exomes 0.00004; gnomAD 0.00006.
gnomAD v4.1: 63 of 1,609,166 alleles (0.0039%); highest among the groups gnomAD compares: South Asian, 0.0033%; no homozygotes.

Submissions (4):

Greenwood Genetic Center Diagnostic Laboratories, Greenwood Genetic Center
Classification: Uncertain significance. Last evaluated: 2024-06-03. Review status: criteria provided, single submitter. Criteria: ACMG Guidelines, 2015. Collection method: clinical testing. Allele origin: germline. Affected: yes.
Comment: PM2, PP3

Baylor Genetics
Classification: Likely pathogenic for Pontocerebellar hypoplasia type 6. Last evaluated: 2024-03-26. Review status: criteria provided, single submitter. Criteria: ACMG Guidelines, 2015. Collection method: clinical testing. Allele origin: unknown.

Department of Pathology and Laboratory Medicine, Sinai Health System
Classification: Uncertain significance for Pontocerebellar hypoplasia type 6. Last evaluated: 2023-04-06. Review status: criteria provided, single submitter. Criteria: ACMG Guidelines, 2015. Collection method: research. Allele origin: germline.

Labcorp Genetics (formerly Invitae), Labcorp
Classification: Uncertain significance. Last evaluated: 2022-07-01. Review status: criteria provided, single submitter. Criteria: Invitae Variant Classification Sherloc (09022015). Collection method: clinical testing. Allele origin: germline.
Comment: This sequence change replaces tyrosine, which is neutral and polar, with cysteine, which is neutral and slightly polar, at codon 322 of the RARS2 protein (p.Tyr322Cys). This variant is present in population databases (no rsID available, gnomAD 0.09%). This missense change has been observed in individual(s) with clinical features of pontocerebellar hypoplasia (PMID: 33972171). Advanced modeling of protein sequence and biophysical properties (such as structural, functional, and spatial information, amino acid conservation, physicochemical variation, residue mobility, and thermodynamic stability) performed at Invitae indicates that this missense variant is expected to disrupt RARS2 protein function. In summary, the available evidence is currently insufficient to determine the role of this variant in disease. Therefore, it has been classified as a Variant of Uncertain Significance.

Literature cited by the submitters: PubMed 33972171 (cited by Labcorp Genetics (formerly Invitae), Labcorp).